The following is an entry in ClinVar:

ClinVar aggregate classification (germline): Uncertain significance (1 of 4 stars; one submission).

Conditions:
Seizures, benign familial infantile, 3 (BFIS3). Also called: CONVULSIONS, BENIGN FAMILIAL INFANTILE, 3; Familial neonatal seizures. Identifiers: Orphanet 140927, Orphanet 306, MedGen C1843140, MONDO:0011904, OMIM 607745.
Developmental and epileptic encephalopathy, 11 (DEE11). Also called: Early infantile epileptic encephalopathy 11. Identifiers: Orphanet 1934, MedGen C3150987, MONDO:0013388, OMIM 613721.

Submission:

Labcorp Genetics (formerly Invitae), Labcorp
Classification: Uncertain significance for Seizures, benign familial infantile, 3; Developmental and epileptic encephalopathy, 11. Last evaluated: 2022-12-18. Review status: criteria provided, single submitter. Criteria: Invitae Variant Classification Sherloc (09022015). Collection method: clinical testing. Allele origin: germline.
Comment: This variant is not present in population databases (gnomAD no frequency). This sequence change replaces glutamic acid, which is acidic and polar, with aspartic acid, which is acidic and polar, at codon 485 of the SCN2A protein (p.Glu485Asp). In summary, the available evidence is currently insufficient to determine the role of this variant in disease. Therefore, it has been classified as a Variant of Uncertain Significance. Advanced modeling of protein sequence and biophysical properties (such as structural, functional, and spatial information, amino acid conservation, physicochemical variation, residue mobility, and thermodynamic stability) performed at Invitae indicates that this missense variant is not expected to disrupt SCN2A protein function. This variant has not been reported in the literature in individuals affected with SCN2A-related conditions.

NM_001040142.2(SCN2A):c.1455G>C (p.Glu485Asp)

Gene: SCN2A (sodium voltage-gated channel alpha subunit 2; plus strand). Cytogenetic location: 2q24.3.
Variant type: single nucleotide variant.
Coding change: c.1455G>C on transcript NM_001040142.2 (MANE Select); coding-DNA position 1455, G replaced by C.
Protein change: p.Glu485Asp; replaces glutamic acid 485 with aspartic acid.
Molecular consequence: missense variant.
Genome position (GRCh38, 1-based): chr2:165,315,542, G>C. VCF-style: chr2-165315542-G-C. GRCh37 (hg19) VCF-style: chr2-166172052-G-C.
Other names: c.1455G>C, p.Glu485Asp (NM_001040143.2, NM_001371246.1, NM_001371247.1 and 1 more transcripts); short protein forms E485D.
Identifiers: ClinVar variation 2940230 (VCV002940230.3), dbSNP rs774627938, ClinGen allele CA349022867.